The following is an entry in ClinVar:

NM_173689.7(CRB2):c.2334CTT[1] (p.Phe780del)

Gene: CRB2 (crumbs cell polarity complex component 2; plus strand). Cytogenetic location: 9q33.3.
Variant type: Microsatellite.
Coding change: c.2334CTT[1] on transcript NM_173689.7 (MANE Select); one copy of the 3-base unit CTT starting at c.2334; the reference has two copies in a row; one copy, 3 bases deleted.
Protein change: p.Phe780del; deletes phenylalanine 780.
Molecular consequence: non-coding transcript variant (on NR_104603.2).
Genome position (GRCh38, 1-based): chr9:123,371,479-123,371,481, CTT deleted; deleting any 3 consecutive bases within chr9:123,371,476-123,371,481 gives the same sequence; the position shown is the placement nearest the transcript's 3' end. VCF-style (leftmost placement, unchanged base first): chr9-123371475-CCTT-C. GRCh37 (hg19) VCF-style: chr9-126133754-CCTT-C.
Other names: short protein forms F780del.
Identifiers: ClinVar variation 4538801 (VCV004538801.1).

ClinVar aggregate classification (germline): Uncertain significance (1 of 4 stars; one submission).

Submission:

GeneDx
Classification: Uncertain significance. Last evaluated: 2025-06-16. Review status: criteria provided, single submitter. Criteria: GeneDx Variant Classification Process June 2021. Collection method: clinical testing. Allele origin: germline. Affected: yes.
Comment: Not observed at significant frequency in large population cohorts (gnomAD); In-frame deletion of 1 amino acid(s) in a non-repeat region; In silico analysis supports a deleterious effect on protein structure/function; Has not been previously published as pathogenic or benign to our knowledge